The following is an entry in ClinVar:

ClinVar aggregate classification (germline): Uncertain significance (1 of 4 stars; one submission).

Submission:

Ambry Genetics
Classification: Uncertain significance. Last evaluated: 2024-08-20. Review status: criteria provided, single submitter. Criteria: Ambry Variant Classification Scheme 2023. Collection method: clinical testing. Allele origin: germline.
Comment: The p.N649D variant (also known as c.1945A>G), located in coding exon 13 of the NPAT gene, results from an A to G substitution at nucleotide position 1945. The asparagine at codon 649 is replaced by aspartic acid, an amino acid with highly similar properties. This amino acid position is conserved. In addition, this alteration is predicted to be tolerated by in silico analysis. Based on the available evidence, the clinical significance of this variant remains unclear.

NM_002519.3(NPAT):c.1945A>G (p.Asn649Asp)

Gene: NPAT (nuclear protein, coactivator of histone transcription; minus strand). Cytogenetic location: 11q22.3.
Variant type: single nucleotide variant.
Coding change: c.1945A>G on transcript NM_002519.3 (MANE Select); coding-DNA position 1945, A replaced by G.
Protein change: p.Asn649Asp; replaces asparagine 649 with aspartic acid.
Molecular consequence: missense variant.
Genome position (GRCh38, 1-based): chr11:108,173,039, T>C on the plus strand (A>G on the coding strand, the complement: NPAT is on the minus strand). VCF-style: chr11-108173039-T-C. GRCh37 (hg19) VCF-style: chr11-108043766-T-C.
Other names: c.1945A>G, p.Asn649Asp (NM_001321307.1); short protein forms N649D.
Identifiers: ClinVar variation 3407197 (VCV003407197.1).